The following is an entry in ClinVar:

ClinVar aggregate classification (germline): Conflicting classifications of pathogenicity. Review status: criteria provided, conflicting classifications (1 of 4 stars). 6 submissions from 6 submitters: Uncertain significance (5); Likely benign (1). Last evaluated 2026-06-16.

Conditions:
TTN-related disorder. Also called: TTN-related condition; TTN-related disease; TTN-related disorders.
Dilated cardiomyopathy 1G (CMD1G). Identifiers: Orphanet 154, MedGen C1858763, MONDO:0011400, OMIM 604145.
Autosomal recessive limb-girdle muscular dystrophy type 2J (LGMDR10). Also called: MUSCULAR DYSTROPHY, LIMB-GIRDLE, AUTOSOMAL RECESSIVE 10; Limb-girdle muscular dystrophy, type 2J. Identifiers: Orphanet 140922, MedGen C1837342, MONDO:0012127, OMIM 608807.

Allele frequency attached by ClinVar (database versions not stated): ExAC 0.00002; gnomAD 0.00003; gnomAD exomes 0.00003 and 0.00005; TOPMed 0.00015.
gnomAD v4.1: 26 of 1,605,344 alleles (0.0016%); highest among the groups gnomAD compares: Admixed American, 0.033%; no homozygotes.

Submissions (6):

PreventionGenetics, part of Exact Sciences
Classification: Uncertain significance for TTN-related condition. Last evaluated: 2026-06-16. Review status: criteria provided, single submitter. Criteria: ACMG Guidelines, 2015. Collection method: clinical testing. Allele origin: germline.
Comment: The TTN c.24833G>C variant is predicted to result in the amino acid substitution p.Gly8278Ala. To our knowledge, this variant has not been reported in the literature. This variant is reported in 0.037% of alleles in individuals of Latino descent in gnomAD. At this time, the clinical significance of this variant is uncertain due to the absence of conclusive functional and genetic evidence.

Athena Diagnostics
Classification: Uncertain significance. Last evaluated: 2025-05-19. Review status: criteria provided, single submitter. Criteria: Athena Diagnostics Criteria. Collection method: clinical testing. Allele origin: unknown.
Comment: Available data are insufficient to determine the clinical significance of the variant at this time. The frequency of this variant in the general population is higher than would generally be expected for pathogenic variants in this gene. Polyphen and MutationTaster predict this amino acid change may be benign.

Mayo Clinic Laboratories, Mayo Clinic
Classification: Uncertain significance. Last evaluated: 2023-09-28. Review status: criteria provided, single submitter. Criteria: ACMG Guidelines, 2015. Collection method: clinical testing. Allele origin: germline. Observed: 1 variant allele.

Revvity Omics, Revvity
Classification: Uncertain significance. Last evaluated: 2019-05-03. Review status: criteria provided, single submitter. Criteria: ACMG Guidelines, 2015. Collection method: clinical testing. Allele origin: germline.

GeneDx
Classification: Likely benign. Last evaluated: 2018-03-28. Review status: criteria provided, single submitter. Criteria: GeneDx Variant Classification (06012015). Collection method: clinical testing. Allele origin: germline. Affected: yes.
Comment: This variant is considered likely benign or benign based on one or more of the following criteria: it is a conservative change, it occurs at a poorly conserved position in the protein, it is predicted to be benign by multiple in silico algorithms, and/or has population frequency not consistent with disease.

Labcorp Genetics (formerly Invitae), Labcorp
Classification: Uncertain significance for Dilated cardiomyopathy 1G; Autosomal recessive limb-girdle muscular dystrophy type 2J. Last evaluated: 2017-10-10. Review status: criteria provided, single submitter. Criteria: Invitae Variant Classification Sherloc (09022015). Collection method: clinical testing. Allele origin: germline.

NM_001267550.2(TTN):c.24833G>C (p.Gly8278Ala)

Gene: TTN (titin; minus strand). Cytogenetic location: 2q31.2.
Variant type: single nucleotide variant.
Coding change: c.24833G>C on transcript NM_001267550.2 (MANE Select); coding-DNA position 24833, G replaced by C.
Protein change: p.Gly8278Ala; replaces glycine 8278 with alanine.
Molecular consequence: missense variant. On other transcripts: intron variant (3).
Genome position (GRCh38, 1-based): chr2:178,718,173, C>G on the plus strand (G>C on the coding strand, the complement: TTN is on the minus strand). VCF-style: chr2-178718173-C-G. GRCh37 (hg19) VCF-style: chr2-179582900-C-G.
Other names: p.Gly7961Ala; c.23882G>C, p.Gly7961Ala (NM_001256850.1); c.21101G>C, p.Gly7034Ala (NM_133378.4); c.13282+19909G>C (NM_003319.4); c.13858+19909G>C (NM_133437.4); c.13657+19909G>C (NM_133432.3); c.24833G>C (NM_001267550.1); short protein forms G8278A, G7034A, G7961A.
Identifiers: ClinVar variation 535258 (VCV000535258.10), dbSNP rs778611558, ClinGen allele CA2000336.